The following is an entry in ClinVar:

NM_001375905.1(SGMS2):c.731C>T (p.Ser244Leu)

Genes: CYP2U1-AS1 (CYP2U1 and SGMS2 antisense RNA 1; minus strand), SGMS2 (sphingomyelin synthase 2; plus strand). Cytogenetic location: 4q25.
Variant type: single nucleotide variant.
Coding change: c.731C>T on transcript NM_001375905.1 (MANE Select); coding-DNA position 731, C replaced by T.
Protein change: p.Ser244Leu; replaces serine 244 with leucine.
Molecular consequence: missense variant. On other transcripts: intron variant (1).
Genome position (GRCh38, 1-based): chr4:107,908,568, C>T. VCF-style: chr4-107908568-C-T. GRCh37 (hg19) VCF-style: chr4-108829724-C-T.
Other names: c.731C>T (NM_152621.5); c.731C>T, p.Ser244Leu (NM_001136257.2, NM_001136258.2, NM_001375906.1 and 3 more transcripts); c.212C>T, p.Ser71Leu (NM_001375911.1); c.728-1782C>T (NM_001375910.1); short protein forms S71L, S244L.
Identifiers: ClinVar variation 2198251 (VCV002198251.5), dbSNP rs759222351, ClinGen allele CA3036861.

ClinVar aggregate classification (germline): Uncertain significance. Review status: criteria provided, multiple submitters, no conflicts (2 of 4 stars). 2 submissions from 2 submitters: Uncertain significance (2). Last evaluated 2022-04-09.

Conditions:
Inborn genetic diseases. Identifiers: MedGen C0950123, MeSH D030342.

Allele frequency attached by ClinVar (database versions not stated): gnomAD exomes below 0.00001; ExAC 0.00001; gnomAD 0.00001.
gnomAD v4.1: 8 of 1,612,086 alleles (0.0005%); highest among the groups gnomAD compares: Non-Finnish European, 0.00051%; no homozygotes.

Submissions (2):

Labcorp Genetics (formerly Invitae), Labcorp
Classification: Uncertain significance. Last evaluated: 2022-04-09. Review status: criteria provided, single submitter. Criteria: Invitae Variant Classification Sherloc (09022015). Collection method: clinical testing. Allele origin: germline.
Comment: Algorithms developed to predict the effect of missense changes on protein structure and function are either unavailable or do not agree on the potential impact of this missense change (SIFT: "Deleterious"; PolyPhen-2: "Probably Damaging"; Align-GVGD: "Class C0"). In summary, the available evidence is currently insufficient to determine the role of this variant in disease. Therefore, it has been classified as a Variant of Uncertain Significance. This variant has not been reported in the literature in individuals affected with SGMS2-related conditions. This variant is present in population databases (rs759222351, gnomAD 0.0009%). This sequence change replaces serine, which is neutral and polar, with leucine, which is neutral and non-polar, at codon 244 of the SGMS2 protein (p.Ser244Leu).

Ambry Genetics
Classification: Uncertain significance for Inborn genetic diseases. Last evaluated: 2021-08-10. Review status: criteria provided, single submitter. Criteria: Ambry Variant Classification Scheme 2023. Collection method: clinical testing. Allele origin: germline.